The following is an entry in ClinVar:

ClinVar aggregate classification (germline): Uncertain significance. Review status: criteria provided, multiple submitters, no conflicts (2 of 4 stars). 2 submissions from 2 submitters: Uncertain significance (2). Last evaluated 2025-09-10.

Conditions:
Inborn genetic diseases. Identifiers: MedGen C0950123, MeSH D030342.
Immunodeficiency 35 (IMD35). Also called: Susceptibility to infection due to TYK2 deficiency; HIES WITH ATYPICAL MYCOBACTERIOSIS, AUTOSOMAL RECESSIVE; HYPER-IgE SYNDROME WITH ATYPICAL MYCOBACTERIOSIS, AUTOSOMAL RECESSIVE; TYK2 DEFICIENCY. Identifiers: Orphanet 331226, MedGen C1969086, MONDO:0012682, OMIM 611521.

gnomAD v4.1: 2 of 1,613,858 alleles (0.00012%); highest among the groups gnomAD compares: African/African-American, 0.0027%; no homozygotes.

Submissions (2):

Ambry Genetics
Classification: Uncertain significance for Inborn genetic diseases. Last evaluated: 2025-09-10. Review status: criteria provided, single submitter. Criteria: Ambry Variant Classification Scheme 2023. Collection method: clinical testing. Allele origin: germline.

Labcorp Genetics (formerly Invitae), Labcorp
Classification: Uncertain significance for Immunodeficiency 35. Last evaluated: 2022-07-06. Review status: criteria provided, single submitter. Criteria: Invitae Variant Classification Sherloc (09022015). Collection method: clinical testing. Allele origin: germline.
Comment: In summary, the available evidence is currently insufficient to determine the role of this variant in disease. Therefore, it has been classified as a Variant of Uncertain Significance. Algorithms developed to predict the effect of missense changes on protein structure and function are either unavailable or do not agree on the potential impact of this missense change (SIFT: "Not Available"; PolyPhen-2: "Benign"; Align-GVGD: "Not Available"). ClinVar contains an entry for this variant (Variation ID: 1062955). This variant has not been reported in the literature in individuals affected with TYK2-related conditions. This variant is not present in population databases (gnomAD no frequency). This sequence change replaces alanine, which is neutral and non-polar, with threonine, which is neutral and polar, at codon 567 of the TYK2 protein (p.Ala567Thr).

NM_003331.5(TYK2):c.1699G>A (p.Ala567Thr)

Gene: TYK2 (tyrosine kinase 2; minus strand). Cytogenetic location: 19p13.2.
Variant type: single nucleotide variant.
Coding change: c.1699G>A on transcript NM_003331.5 (MANE Select); coding-DNA position 1699, G replaced by A.
Protein change: p.Ala567Thr; replaces alanine 567 with threonine.
Molecular consequence: missense variant.
Genome position (GRCh38, 1-based): chr19:10,362,152, C>T on the plus strand (G>A on the coding strand, the complement: TYK2 is on the minus strand). VCF-style: chr19-10362152-C-T. GRCh37 (hg19) VCF-style: chr19-10472828-C-T.
Other names: c.1699G>A, p.Ala567Thr (NM_001385197.1, NM_001385198.1, NM_001385199.1 and 5 more transcripts); c.1501G>A, p.Ala501Thr (NM_001385201.1); c.1609G>A, p.Ala537Thr (NM_001385205.1); c.1573G>A, p.Ala525Thr (NM_001385206.1); c.1699G>A (NM_003331.4); short protein forms A501T, A525T, A537T, A567T.
Identifiers: ClinVar variation 1062955 (VCV001062955.10), dbSNP rs1314158344, ClinGen allele CA404004330.